The following is an entry in ClinVar:

NM_000593.6(TAP1):c.2144T>G (p.Leu715Arg)

Genes: PSMB8-AS1 (PSMB8 antisense RNA 1; plus strand), TAP1 (transporter 1, ATP binding cassette subfamily B member; minus strand). Cytogenetic location: 6p21.32.
Variant type: single nucleotide variant.
Coding change: c.2144T>G on transcript NM_000593.6 (MANE Select); coding-DNA position 2144, T replaced by G.
Protein change: p.Leu715Arg; replaces leucine 715 with arginine.
Molecular consequence: missense variant. On other transcripts: non-coding transcript variant (4).
Genome position (GRCh38, 1-based): chr6:32,845,682, A>C on the plus strand (T>G on the coding strand, the complement: TAP1 is on the minus strand). VCF-style: chr6-32845682-A-C. GRCh37 (hg19) VCF-style: chr6-32813459-A-C.
Other names: c.1541T>G, p.Leu514Arg (NM_001292022.2); short protein forms L514R, L715R.
Identifiers: ClinVar variation 938034 (VCV000938034.5), dbSNP rs1770326102, ClinGen allele CA363590442.

ClinVar aggregate classification (germline): Uncertain significance (1 of 4 stars; one submission).

Conditions:
MHC class I deficiency. Identifiers: Orphanet 34592, MedGen C6024714, MONDO:0011476.

Allele frequency attached by ClinVar (database versions not stated): TOPMed 0.00001; gnomAD exomes below 0.00001.
gnomAD v4.1: 1 of 1,613,018 alleles (0.000062%); highest among the groups gnomAD compares: Non-Finnish European, 0.000085%; no homozygotes.

Submission:

Labcorp Genetics (formerly Invitae), Labcorp
Classification: Uncertain significance for MHC class I deficiency 1. Last evaluated: 2021-11-22. Review status: criteria provided, single submitter. Criteria: Invitae Variant Classification Sherloc (09022015). Collection method: clinical testing. Allele origin: germline.
Comment: This sequence change replaces leucine, which is neutral and non-polar, with arginine, which is basic and polar, at codon 775 of the TAP1 protein (p.Leu775Arg). This variant is not present in population databases (gnomAD no frequency). This variant has not been reported in the literature in individuals affected with TAP1-related conditions. ClinVar contains an entry for this variant (Variation ID: 938034). Algorithms developed to predict the effect of missense changes on protein structure and function are either unavailable or do not agree on the potential impact of this missense change (SIFT: "Deleterious"; PolyPhen-2: "Probably Damaging"; Align-GVGD: "Class C0"). In summary, the available evidence is currently insufficient to determine the role of this variant in disease. Therefore, it has been classified as a Variant of Uncertain Significance.